The following is an entry in ClinVar:

NM_033118.4(MYLK2):c.1672A>C (p.Ile558Leu)

Gene: MYLK2 (myosin light chain kinase 2; plus strand). Cytogenetic location: 20q11.21.
Variant type: single nucleotide variant.
Coding change: c.1672A>C on transcript NM_033118.4 (MANE Select); coding-DNA position 1672, A replaced by C.
Protein change: p.Ile558Leu; replaces isoleucine 558 with leucine.
Molecular consequence: missense variant.
Genome position (GRCh38, 1-based): chr20:31,832,098, A>C. VCF-style: chr20-31832098-A-C. GRCh37 (hg19) VCF-style: chr20-30419901-A-C.
Other names: short protein forms I558L.
Identifiers: ClinVar variation 2565431 (VCV002565431.2), dbSNP rs751085181, ClinGen allele CA9803291.

ClinVar aggregate classification (germline): Uncertain significance (1 of 4 stars; one submission).

Allele frequency attached by ClinVar (database versions not stated): ExAC 0.00001; gnomAD 0.00001.
gnomAD v4.1: 1 of 1,609,142 alleles (0.000062%); highest among the groups gnomAD compares: African/African-American, 0.0013%; no homozygotes.

Submission:

Ambry Genetics
Classification: Uncertain significance. Last evaluated: 2023-04-14. Review status: criteria provided, single submitter. Criteria: Ambry Variant Classification Scheme 2023. Collection method: clinical testing. Allele origin: germline.
Comment: The p.I558L variant (also known as c.1672A>C), located in coding exon 11 of the MYLK2 gene, results from an A to C substitution at nucleotide position 1672. The isoleucine at codon 558 is replaced by leucine, an amino acid with highly similar properties. This amino acid position is conserved. In addition, this alteration is predicted to be tolerated by in silico analysis. Since supporting evidence is limited at this time, the clinical significance of this alteration remains unclear.